The following is an entry in ClinVar:

ClinVar aggregate classification (germline): Uncertain significance (1 of 4 stars; one submission).

Submission:

Labcorp Genetics (formerly Invitae), Labcorp
Classification: Uncertain significance. Last evaluated: 2025-09-14. Review status: criteria provided, single submitter. Criteria: Invitae Variant Classification Sherloc (09022015). Collection method: clinical testing. Allele origin: germline.
Comment: This sequence change replaces alanine, which is neutral and non-polar, with valine, which is neutral and non-polar, at codon 1330 of the MYO7A protein (p.Ala1330Val). This variant is not present in population databases (gnomAD no frequency). This variant has not been reported in the literature in individuals affected with MYO7A-related conditions. Invitae Evidence Modeling of protein sequence and biophysical properties (such as structural, functional, and spatial information, amino acid conservation, physicochemical variation, residue mobility, and thermodynamic stability) indicates that this missense variant is not expected to disrupt MYO7A protein function with a negative predictive value of 95%. In summary, the available evidence is currently insufficient to determine the role of this variant in disease. Therefore, it has been classified as a Variant of Uncertain Significance.

NM_000260.4(MYO7A):c.3989C>T (p.Ala1330Val)

Gene: MYO7A (myosin VIIA; plus strand). Cytogenetic location: 11q13.5.
Variant type: single nucleotide variant.
Coding change: c.3989C>T on transcript NM_000260.4 (MANE Select); coding-DNA position 3989, C replaced by T.
Protein change: p.Ala1330Val; replaces alanine 1330 with valine.
Molecular consequence: missense variant.
Genome position (GRCh38, 1-based): chr11:77,192,115, C>T. VCF-style: chr11-77192115-C-T. GRCh37 (hg19) VCF-style: chr11-76903160-C-T.
Other names: c.3989C>T, p.Ala1330Val (NM_001127180.2); c.3956C>T, p.Ala1319Val (NM_001369365.1); short protein forms A1319V, A1330V.
Identifiers: ClinVar variation 4796964 (VCV004796964.1).
Genomic context (GRCh38, chr11:77,192,115, plus strand): 5'-CCTCCCTGGGCAGCGGCAGTGACCACGTCATGGACGCCATCTCCCAGTGCGAGCAGTACG[C>T]CAAGGAGCAGGGCGCCCAGGAGCGCAACGCCCCCTGGAGGCTCTTCTTCCGCAAAGAGGT-3'
Protein context (NP_000251.3, residues 1320-1340): MDAISQCEQY[Ala1330Val]KEQGAQERNA